The following is an entry in ClinVar:

ClinVar aggregate classification (germline): Uncertain significance. Review status: criteria provided, multiple submitters, no conflicts (2 of 4 stars). 2 submissions from 2 submitters: Uncertain significance (2). Last evaluated 2022-05-29.

Conditions:
Inborn genetic diseases. Identifiers: MedGen C0950123, MeSH D030342.

Allele frequency attached by ClinVar (database versions not stated): gnomAD exomes 0.00003; gnomAD 0.00005; TOPMed 0.00012; ExAC 0.00020.
gnomAD v4.1: 55 of 1,610,060 alleles (0.0034%); highest among the groups gnomAD compares: Admixed American, 0.082%; no homozygotes.

Submissions (2):

Labcorp Genetics (formerly Invitae), Labcorp
Classification: Uncertain significance. Last evaluated: 2022-05-29. Review status: criteria provided, single submitter. Criteria: Invitae Variant Classification Sherloc (09022015). Collection method: clinical testing. Allele origin: germline.
Comment: This sequence change replaces cysteine, which is neutral and slightly polar, with arginine, which is basic and polar, at codon 1183 of the CEP152 protein (p.Cys1183Arg). This variant is present in population databases (rs766151773, gnomAD 0.1%). This variant has not been reported in the literature in individuals affected with CEP152-related conditions. Algorithms developed to predict the effect of missense changes on protein structure and function are either unavailable or do not agree on the potential impact of this missense change (SIFT: "Deleterious"; PolyPhen-2: "Benign"; Align-GVGD: "Class C0"). In summary, the available evidence is currently insufficient to determine the role of this variant in disease. Therefore, it has been classified as a Variant of Uncertain Significance.

Ambry Genetics
Classification: Uncertain significance for Inborn genetic diseases. Last evaluated: 2021-07-13. Review status: criteria provided, single submitter. Criteria: Ambry Variant Classification Scheme 2023. Collection method: clinical testing. Allele origin: germline.

NM_001194998.2(CEP152):c.3715T>C (p.Cys1239Arg)

Gene: CEP152 (centrosomal protein 152; minus strand). Cytogenetic location: 15q21.1.
Variant type: single nucleotide variant.
Coding change: c.3715T>C on transcript NM_001194998.2 (MANE Select); coding-DNA position 3715, T replaced by C.
Protein change: p.Cys1239Arg; replaces cysteine 1239 with arginine.
Molecular consequence: missense variant.
Genome position (GRCh38, 1-based): chr15:48,744,912, A>G on the plus strand (T>C on the coding strand, the complement: CEP152 is on the minus strand). VCF-style: chr15-48744912-A-G. GRCh37 (hg19) VCF-style: chr15-49037109-A-G.
Other names: c.3547T>C, p.Cys1183Arg (NM_014985.4); short protein forms C1183R, C1239R.
Identifiers: ClinVar variation 1900134 (VCV001900134.3), dbSNP rs766151773, ClinGen allele CA7548306.